The following is an entry in ClinVar:

NM_001673.5(ASNS):c.79A>G (p.Arg27Gly)

Genes: ASNS (asparagine synthetase (glutamine-hydrolyzing); minus strand), CZ1P-ASNS (CZ1P-ASNS readthrough; minus strand). Cytogenetic location: 7q21.3.
Variant type: single nucleotide variant.
Coding change: c.79A>G on transcript NM_001673.5 (MANE Select); coding-DNA position 79, A replaced by G.
Protein change: p.Arg27Gly; replaces arginine 27 with glycine.
Molecular consequence: missense variant. On other transcripts: non-coding transcript variant (1), intron variant (2).
Genome position (GRCh38, 1-based): chr7:97,869,078, T>C on the plus strand (A>G on the coding strand, the complement: ASNS is on the minus strand). VCF-style: chr7-97869078-T-C. GRCh37 (hg19) VCF-style: chr7-97498390-T-C.
Other names: c.16A>G, p.Arg6Gly (NM_001178075.2); c.79A>G, p.Arg27Gly (NM_001352496.2, NM_133436.3, NM_183356.4); c.-1+3273A>G (NM_001178076.2); c.-1+2963A>G (NM_001178077.1); short protein forms R6G, R27G.
Identifiers: ClinVar variation 2114424 (VCV002114424.4), dbSNP rs1792122889, ClinGen allele CA368274178.

ClinVar aggregate classification (germline): Uncertain significance (1 of 4 stars; one submission).

Allele frequency attached by ClinVar (database versions not stated): gnomAD 0.00001.
gnomAD v4.1: 1 of 1,614,136 alleles (0.000062%); highest among the groups gnomAD compares: Non-Finnish European, 0.000085%; no homozygotes.

Submission:

Labcorp Genetics (formerly Invitae), Labcorp
Classification: Uncertain significance. Last evaluated: 2023-08-10. Review status: criteria provided, single submitter. Criteria: Invitae Variant Classification Sherloc (09022015). Collection method: clinical testing. Allele origin: germline.
Comment: In summary, the available evidence is currently insufficient to determine the role of this variant in disease. Therefore, it has been classified as a Variant of Uncertain Significance. Advanced modeling of protein sequence and biophysical properties (such as structural, functional, and spatial information, amino acid conservation, physicochemical variation, residue mobility, and thermodynamic stability) performed at Invitae indicates that this missense variant is expected to disrupt ASNS protein function. This sequence change replaces arginine, which is basic and polar, with glycine, which is neutral and non-polar, at codon 27 of the ASNS protein (p.Arg27Gly). This variant is not present in population databases (gnomAD no frequency). This variant has not been reported in the literature in individuals affected with ASNS-related conditions. ClinVar contains an entry for this variant (Variation ID: 2114424).